The following is an entry in ClinVar:

NM_019594.4(LRRC8A):c.1603A>G (p.Ile535Val)

Gene: LRRC8A (leucine rich repeat containing 8 VRAC subunit A; plus strand). Cytogenetic location: 9q34.11.
Variant type: single nucleotide variant.
Coding change: c.1603A>G on transcript NM_019594.4 (MANE Select); coding-DNA position 1603, A replaced by G.
Protein change: p.Ile535Val; replaces isoleucine 535 with valine.
Molecular consequence: missense variant.
Genome position (GRCh38, 1-based): chr9:128,908,767, A>G. VCF-style: chr9-128908767-A-G. GRCh37 (hg19) VCF-style: chr9-131671046-A-G.
Other names: c.1603A>G, p.Ile535Val (NM_001127244.2, NM_001127245.2); short protein forms I535V.
Identifiers: ClinVar variation 2982814 (VCV002982814.3), dbSNP rs2491879558, ClinGen allele CA375083060.

ClinVar aggregate classification (germline): Uncertain significance (1 of 4 stars; one submission).

gnomAD v4.1: 3 of 1,613,322 alleles (0.00019%); highest among the groups gnomAD compares: East Asian, 0.0022%; no homozygotes.

Submission:

Labcorp Genetics (formerly Invitae), Labcorp
Classification: Uncertain significance. Last evaluated: 2023-07-22. Review status: criteria provided, single submitter. Criteria: Invitae Variant Classification Sherloc (09022015). Collection method: clinical testing. Allele origin: germline.
Comment: This sequence change replaces isoleucine, which is neutral and non-polar, with valine, which is neutral and non-polar, at codon 535 of the LRRC8A protein (p.Ile535Val). This variant is not present in population databases (gnomAD no frequency). This variant has not been reported in the literature in individuals affected with LRRC8A-related conditions. An algorithm developed to predict the effect of missense changes on protein structure and function (PolyPhen-2) suggests that this variant is likely to be disruptive. In summary, the available evidence is currently insufficient to determine the role of this variant in disease. Therefore, it has been classified as a Variant of Uncertain Significance.